The following is an entry in ClinVar:

NM_005751.5(AKAP9):c.7430_7432delinsAA (p.Leu2477fs)

Gene: AKAP9 (A-kinase anchoring protein 9; plus strand). Cytogenetic location: 7q21.2.
Variant type: Indel.
Coding change: c.7430_7432delinsAA on transcript NM_005751.5 (MANE Select); coding-DNA positions 7430 to 7432, TAG replaced by AA.
Protein change: p.Leu2477fs; shifts the reading frame from leucine 2477.
Molecular consequence: frameshift variant.
Genome position (GRCh38, 1-based): chr7:92,079,563-92,079,565, TAG replaced by AA. VCF-style: chr7-92079563-TAG-AA. GRCh37 (hg19) VCF-style: chr7-91708877-TAG-AA.
Other names: c.2075_2077delinsAA, p.Leu692fs (NM_001379277.1); c.7406_7408delinsAA, p.Leu2469fs (NM_147185.3); c.7430_7432delTAGinsAA (NM_005751.4); short protein forms L2477fs, L2469fs, L692fs.
Identifiers: ClinVar variation 519483 (VCV000519483.5), dbSNP rs1554450960, ClinGen allele CA658796961.

ClinVar aggregate classification (germline): Uncertain significance (1 of 4 stars; one submission).

Conditions:
Cardiovascular phenotype. Identifiers: MedGen CN230736.

Submission:

Ambry Genetics
Classification: Uncertain significance for Cardiovascular phenotype. Last evaluated: 2022-10-20. Review status: criteria provided, single submitter. Criteria: Ambry Variant Classification Scheme 2023. Collection method: clinical testing. Allele origin: germline.
Comment: The c.7430_7432delTAGinsAA variant, located in coding exon 31 of the AKAP9 gene, results from the deletion of 3 nucleotides and insertion of two nucleotides causing a translational frameshift with a predicted alternate stop codon (p.L2477Qfs*18). This alteration is expected to result in loss of function by premature protein truncation or nonsense-mediated mRNA decay. However, loss of function of AKAP9 has not been clearly established as a mechanism of disease. The evidence for this gene-disease relationship is limited; therefore, the clinical significance of this alteration is unclear.